The following is an entry in ClinVar:

ClinVar aggregate classification (germline): Uncertain significance (1 of 4 stars; one submission).

Allele frequency attached by ClinVar (database versions not stated): ExAC 0.00001; gnomAD exomes 0.00001 and 0.00003; gnomAD 0.00003; TOPMed 0.00003.
gnomAD v4.1: 16 of 1,606,158 alleles (0.001%); highest among the groups gnomAD compares: African/African-American, 0.0027%; no homozygotes.

Submission:

Labcorp Genetics (formerly Invitae), Labcorp
Classification: Uncertain significance. Last evaluated: 2025-09-09. Review status: criteria provided, single submitter. Criteria: Invitae Variant Classification Sherloc (09022015). Collection method: clinical testing. Allele origin: germline.
Comment: This sequence change replaces arginine, which is basic and polar, with glutamine, which is neutral and polar, at codon 291 of the FBN3 protein (p.Arg291Gln). This variant is present in population databases (rs764597553, gnomAD 0.004%). This variant has not been reported in the literature in individuals affected with FBN3-related conditions. ClinVar contains an entry for this variant (Variation ID: 1434329). Invitae Evidence Modeling of protein sequence and biophysical properties (such as structural, functional, and spatial information, amino acid conservation, physicochemical variation, residue mobility, and thermodynamic stability) indicates that this missense variant is not expected to disrupt FBN3 protein function with a negative predictive value of 80%. In summary, the available evidence is currently insufficient to determine the role of this variant in disease. Therefore, it has been classified as a Variant of Uncertain Significance.

NM_032447.5(FBN3):c.872G>A (p.Arg291Gln)

Gene: FBN3 (fibrillin 3; minus strand). Cytogenetic location: 19p13.2.
Variant type: single nucleotide variant.
Coding change: c.872G>A on transcript NM_032447.5 (MANE Select); coding-DNA position 872, G replaced by A.
Protein change: p.Arg291Gln; replaces arginine 291 with glutamine.
Molecular consequence: missense variant.
Genome position (GRCh38, 1-based): chr19:8,138,558, C>T on the plus strand (G>A on the coding strand, the complement: FBN3 is on the minus strand). VCF-style: chr19-8138558-C-T. GRCh37 (hg19) VCF-style: chr19-8203442-C-T.
Other names: c.872G>A, p.Arg291Gln (NM_001321431.2); short protein forms R291Q.
Identifiers: ClinVar variation 1434329 (VCV001434329.6), dbSNP rs764597553, ClinGen allele CA9153551.